The following is an entry in ClinVar:

NM_006015.6(ARID1A):c.5506G>A (p.Glu1836Lys)

Gene: ARID1A (AT-rich interaction domain 1A; plus strand). Cytogenetic location: 1p36.11.
Variant type: single nucleotide variant.
Coding change: c.5506G>A on transcript NM_006015.6 (MANE Select); coding-DNA position 5506, G replaced by A.
Protein change: p.Glu1836Lys; replaces glutamic acid 1836 with lysine.
Molecular consequence: missense variant.
Genome position (GRCh38, 1-based): chr1:26,779,404, G>A. VCF-style: chr1-26779404-G-A. GRCh37 (hg19) VCF-style: chr1-27105895-G-A.
Other names: c.4855G>A, p.Glu1619Lys (NM_139135.4); short protein forms E1619K, E1836K.
Identifiers: ClinVar variation 4983625 (VCV004983625.1).

ClinVar aggregate classification (germline): Uncertain significance (1 of 4 stars; one submission).

Conditions:
ARID1A-related disorder. Also called: ARID1A-related condition.

Submission:

PreventionGenetics, part of Exact Sciences
Classification: Uncertain significance for ARID1A-related condition. Last evaluated: 2026-08-26. Review status: criteria provided, single submitter. Criteria: ACMG Guidelines, 2015. Collection method: clinical testing. Allele origin: germline.
Comment: The ARID1A c.5506G>A variant is predicted to result in the amino acid substitution p.Glu1836Lys. To our knowledge, this variant has not been reported in the literature or in a large population database (gnomAD), indicating this variant is rare. At this time, the clinical significance of this variant is uncertain due to the absence of conclusive functional and genetic evidence.